The following is an entry in ClinVar:

NM_033056.4(PCDH15):c.5177C>T (p.Thr1726Ile)

Gene: PCDH15 (protocadherin related 15; minus strand). Cytogenetic location: 10q21.1.
Variant type: single nucleotide variant.
Coding change: c.5177C>T on transcript NM_033056.4 (MANE Plus Clinical); coding-DNA position 5177, C replaced by T.
Protein change: p.Thr1726Ile; replaces threonine 1726 with isoleucine.
Molecular consequence: missense variant. On other transcripts: intron variant (8).
Genome position (GRCh38, 1-based): chr10:53,822,549, G>A on the plus strand (C>T on the coding strand, the complement: PCDH15 is on the minus strand). VCF-style: chr10-53822549-G-A. GRCh37 (hg19) VCF-style: chr10-55582309-G-A.
Other names: c.4373+2587C>T (NM_001142772.2, NM_001142770.3); c.4388+2587C>T (NM_001142771.2); c.4388+4844C>T (NM_001354411.2); c.4409+2587C>T (NM_001142769.3); c.5198C>T, p.Thr1733Ile (NM_001142763.2); c.5183C>T, p.Thr1728Ile (NM_001142764.2); c.4970C>T, p.Thr1657Ile (NM_001142765.2); c.5168C>T, p.Thr1723Ile (NM_001142766.2); and 7 more; short protein forms T1726I, T1657I, T1686I, T1723I, T1733I, T1703I, T1706I, T1704I.
Identifiers: ClinVar variation 300173 (VCV000300173.9), dbSNP rs772619593, ClinGen allele CA5505113.

ClinVar aggregate classification (germline): Uncertain significance. Review status: criteria provided, multiple submitters, no conflicts (2 of 4 stars). 2 submissions from 2 submitters: Uncertain significance (2). Last evaluated 2021-09-01.

Conditions:
Usher syndrome type 1 (USH1). Also called: RETINITIS PIGMENTOSA AND CONGENITAL DEAFNESS. Identifiers: Orphanet 231169, Orphanet 886, MedGen C1568247, MONDO:0010168, OMIM 276900.

Allele frequency attached by ClinVar (database versions not stated): gnomAD exomes 0.00001 and 0.00002; gnomAD 0.00002 and below 0.00001; ExAC 0.00004.
gnomAD v4.1: 18 of 1,613,744 alleles (0.0011%); highest among the groups gnomAD compares: South Asian, 0.019%; 1 homozygote.

Submissions (2):

Labcorp Genetics (formerly Invitae), Labcorp
Classification: Uncertain significance. Last evaluated: 2021-09-01. Review status: criteria provided, single submitter. Criteria: Invitae Variant Classification Sherloc (09022015). Collection method: clinical testing. Allele origin: germline.
Comment: This sequence change replaces threonine with isoleucine at codon 1726 of the PCDH15 protein (p.Thr1726Ile). The threonine residue is weakly conserved and there is a moderate physicochemical difference between threonine and isoleucine. This variant is present in population databases (rs772619593, ExAC 0.03%). This variant has not been reported in the literature in individuals affected with PCDH15-related conditions. ClinVar contains an entry for this variant (Variation ID: 300173). Algorithms developed to predict the effect of missense changes on protein structure and function (SIFT, PolyPhen-2, Align-GVGD) all suggest that this variant is likely to be tolerated. In summary, the available evidence is currently insufficient to determine the role of this variant in disease. Therefore, it has been classified as a Variant of Uncertain Significance.

Illumina Laboratory Services, Illumina
Classification: Uncertain significance for Usher syndrome type 1. Last evaluated: 2018-01-12. Review status: criteria provided, single submitter. Criteria: ICSL Variant Classification Criteria 13 December 2019. Collection method: clinical testing. Allele origin: germline.